The following is an entry in ClinVar:

NM_005257.6(GATA6):c.421C>T (p.Pro141Ser)

Gene: GATA6 (GATA binding protein 6; plus strand). Cytogenetic location: 18q11.2.
Variant type: single nucleotide variant.
Coding change: c.421C>T on transcript NM_005257.6 (MANE Select); coding-DNA position 421, C replaced by T.
Protein change: p.Pro141Ser; replaces proline 141 with serine.
Molecular consequence: missense variant.
Genome position (GRCh38, 1-based): chr18:22,171,565, C>T. VCF-style: chr18-22171565-C-T. GRCh37 (hg19) VCF-style: chr18-19751526-C-T.
Other names: short protein forms P141S.
Identifiers: ClinVar variation 4743569 (VCV004743569.1).

ClinVar aggregate classification (germline): Uncertain significance (1 of 4 stars; one submission).

Conditions:
Atrioventricular septal defect 5 (AVSD5). Identifiers: MedGen C3280939, MONDO:0013769, OMIM 614474.

Submission:

Labcorp Genetics (formerly Invitae), Labcorp
Classification: Uncertain significance for Atrioventricular septal defect 5. Last evaluated: 2025-08-25. Review status: criteria provided, single submitter. Criteria: Invitae Variant Classification Sherloc (09022015). Collection method: clinical testing. Allele origin: germline.
Comment: This sequence change replaces proline, which is neutral and non-polar, with serine, which is neutral and polar, at codon 141 of the GATA6 protein (p.Pro141Ser). This variant is present in population databases (no rsID available, gnomAD 0.007%). This variant has not been reported in the literature in individuals affected with GATA6-related conditions. Invitae Evidence Modeling of protein sequence and biophysical properties (such as structural, functional, and spatial information, amino acid conservation, physicochemical variation, residue mobility, and thermodynamic stability) indicates that this missense variant is not expected to disrupt GATA6 protein function with a negative predictive value of 80%. In summary, the available evidence is currently insufficient to determine the role of this variant in disease. Therefore, it has been classified as a Variant of Uncertain Significance.